The following is an entry in ClinVar:

NM_001040142.2(SCN2A):c.3850-231G>A

Gene: SCN2A (sodium voltage-gated channel alpha subunit 2; plus strand). Cytogenetic location: 2q24.3.
Variant type: single nucleotide variant.
Coding change: c.3850-231G>A on transcript NM_001040142.2 (MANE Select); 231 bases into the intron before coding-DNA position 3850, G replaced by A.
Molecular consequence: intron variant.
Genome position (GRCh38, 1-based): chr2:165,372,994, G>A. VCF-style: chr2-165372994-G-A. GRCh37 (hg19) VCF-style: chr2-166229504-G-A.
Other names: c.3850-231G>A (NM_001040143.2, NM_001371246.1, NM_001371247.1 and 1 more transcripts).
Identifiers: ClinVar variation 678938 (VCV000678938.1), dbSNP rs144431811, ClinGen allele CA59736374.
Genomic context (GRCh38, chr2:165,372,994, plus strand): 5'-ATTTCCTACCAAGAATCTTGAAAAAGAGCACATATATGGGCTTCTTTTTTATAAGTGTTC[G>A]CAGACTAGTATCATTAACTTCACCCTGGGAACCTGTAGAAATGCAAATTCTTAGGCCTTT-3'

ClinVar aggregate classification (germline): Likely benign (1 of 4 stars; one submission).

Allele frequency attached by ClinVar (database versions not stated): TOPMed 0.00513; 1000 Genomes Project 0.00599; 1000 Genomes Project 30x 0.00625.
gnomAD v4.1: 885 of 414,988 alleles (0.21%); highest among the groups gnomAD compares: African/African-American, 1.6%; 5 homozygotes.

Submission:

GeneDx
Classification: Likely benign. Last evaluated: 2018-06-14. Review status: criteria provided, single submitter. Criteria: GeneDx Variant Classification (06012015). Collection method: clinical testing. Allele origin: germline. Affected: yes.
Comment: This variant is considered likely benign or benign based on one or more of the following criteria: it is a conservative change, it occurs at a poorly conserved position in the protein, it is predicted to be benign by multiple in silico algorithms, and/or has population frequency not consistent with disease.